The following is an entry in ClinVar:

ClinVar aggregate classification (germline): Likely pathogenic (1 of 4 stars; one submission).

Submission:

GeneDx
Classification: Likely pathogenic. Last evaluated: 2025-05-07. Review status: criteria provided, single submitter. Criteria: GeneDx Variant Classification Process June 2021. Collection method: clinical testing. Allele origin: germline. Affected: yes.
Comment: Not observed at significant frequency in large population cohorts (gnomAD); In silico analysis supports that this missense variant has a deleterious effect on protein structure/function; This variant is associated with the following publications: (PMID: 35982159, 33057194)

NM_015335.5(MED13L):c.4358A>G (p.His1453Arg)

Gene: MED13L (mediator complex subunit 13L; minus strand). Cytogenetic location: 12q24.21.
Variant type: single nucleotide variant.
Coding change: c.4358A>G on transcript NM_015335.5 (MANE Select); coding-DNA position 4358, A replaced by G.
Protein change: p.His1453Arg; replaces histidine 1453 with arginine.
Molecular consequence: missense variant.
Genome position (GRCh38, 1-based): chr12:115,984,353, T>C on the plus strand (A>G on the coding strand, the complement: MED13L is on the minus strand). VCF-style: chr12-115984353-T-C. GRCh37 (hg19) VCF-style: chr12-116422158-T-C.
Other names: short protein forms H1453R.
Identifiers: ClinVar variation 4528268 (VCV004528268.1).
Genomic context (GRCh38, chr12:115,984,353, plus strand): 5'-TGTGCCACAGTTTTTCCCACGCGCATGATCCCGTCACGTAGCACTTTGCAGATGGGCTTG[T>C]GCTGCCCAAGCCTACACATCTGATATCATAGACAAGATCATTAGTTATAACAGGAGCCAT-3'
Protein context (NP_056150.1, residues 1443-1463): AVYEMCRLGQ[His1453Arg]KPICKVLRDG